The following is an entry in ClinVar:

ClinVar aggregate classification (germline): Pathogenic (1 of 4 stars; one submission).

Conditions:
Familial thoracic aortic aneurysm and aortic dissection (TAAD). Also called: Thoracic aortic aneurysms and dissections. Identifiers: Orphanet 91387, MedGen C4707243, MONDO:0019625.

Submission:

Labcorp Genetics (formerly Invitae), Labcorp
Classification: Pathogenic for Familial thoracic aortic aneurysm and aortic dissection. Last evaluated: 2024-01-18. Review status: criteria provided, single submitter. Criteria: Invitae Variant Classification Sherloc (09022015). Collection method: clinical testing. Allele origin: unknown.
Comment: This variant results in a copy number gain of the genomic region encompassing exon(s) 6-9 of the SMAD3 gene. This region includes the termination codon of the gene. This copy number gain extends beyond the assayed region for this gene and therefore may encompass additional genes. As the precise location of this event is unknown, it may be in tandem or it may be located elsewhere in the genome. A similar copy number variant has been observed in individuals with clinical features of Loeys-Dietz syndrome (Invitae). For these reasons, this variant has been classified as Pathogenic.

NC_000015.9:g.(?_67473559)_(67482874_?)dup

Gene: SMAD3 (SMAD family member 3; plus strand). Cytogenetic location: 15q22.33.
Variant type: Duplication.
Identifiers: ClinVar variation 3243831 (VCV003243831.1).